The following is an entry in ClinVar:

NM_001378454.1(ALMS1):c.5103G>C (p.Lys1701Asn)

Gene: ALMS1 (ALMS1 centrosome and basal body associated protein; plus strand). Cytogenetic location: 2p13.1.
Variant type: single nucleotide variant.
Coding change: c.5103G>C on transcript NM_001378454.1 (MANE Select); coding-DNA position 5103, G replaced by C.
Protein change: p.Lys1701Asn; replaces lysine 1701 with asparagine.
Molecular consequence: missense variant.
Genome position (GRCh38, 1-based): chr2:73,451,630, G>C. VCF-style: chr2-73451630-G-C. GRCh37 (hg19) VCF-style: chr2-73678757-G-C.
Other names: c.5106G>C, p.Lys1702Asn (NM_015120.4); short protein forms K1701N, K1702N.
Identifiers: ClinVar variation 1315435 (VCV001315435.2), dbSNP rs2103785098, ClinGen allele CA347279962.

ClinVar aggregate classification (germline): Uncertain significance (1 of 4 stars; one submission).

Submission:

GeneDx
Classification: Uncertain significance. Last evaluated: 2020-02-14. Review status: criteria provided, single submitter. Criteria: GeneDx Variant Classification Process June 2021. Collection method: clinical testing. Allele origin: germline. Affected: yes.
Comment: Not observed in large population cohorts (Lek et al., 2016); In silico analysis supports that this missense variant does not alter protein structure/function; Has not been previously published as pathogenic or benign to our knowledge